The following is an entry in ClinVar:

ClinVar aggregate classification (germline): Uncertain significance (1 of 4 stars; one submission).

Submission:

CeGaT Center for Human Genetics Tuebingen
Classification: Uncertain significance. Last evaluated: 2024-08-01. Review status: criteria provided, single submitter. Criteria: CeGaT Center For Human Genetics Tuebingen Variant Classification Criteria Version 2. Collection method: clinical testing. Allele origin: germline. Affected: yes. Observed: 1 variant allele.
Comment: ESR2: PM2

NM_001437.3(ESR2):c.14dup (p.Asn5fs)

Gene: ESR2 (estrogen receptor 2; minus strand). Cytogenetic location: 14q23.2.
Variant type: Duplication.
Coding change: c.14dup on transcript NM_001437.3 (MANE Select); coding-DNA position 14, one base duplicated (A; older notation c.14dupA).
Protein change: p.Asn5fs; shifts the reading frame from asparagine 5.
Molecular consequence: frameshift variant. On other transcripts: non-coding transcript variant (2).
Genome position (GRCh38, 1-based): chr14:64,282,972, T duplicated on the plus strand (A on the coding strand, the reverse complement: ESR2 is on the minus strand); the first of 6 consecutive T bases (chr14:64,282,972-64,282,977); duplicating any one gives the same sequence. VCF-style (leftmost placement, unchanged base first): chr14-64282971-G-GT. GRCh37 (hg19) VCF-style: chr14-64749689-G-GT.
Other names: c.14dup, p.Asn5fs (NM_001040275.1, NM_001214902.1, NM_001271876.1 and 3 more transcripts); short protein forms N5fs.
Identifiers: ClinVar variation 3342070 (VCV003342070.16).